The following is an entry in ClinVar:

NM_032590.5(KDM2B):c.3799C>G (p.Arg1267Gly)

Gene: KDM2B (lysine demethylase 2B; minus strand). Cytogenetic location: 12q24.31.
Variant type: single nucleotide variant.
Coding change: c.3799C>G on transcript NM_032590.5 (MANE Select); coding-DNA position 3799, C replaced by G.
Protein change: p.Arg1267Gly; replaces arginine 1267 with glycine.
Molecular consequence: missense variant.
Genome position (GRCh38, 1-based): chr12:121,439,887, G>C on the plus strand (C>G on the coding strand, the complement: KDM2B is on the minus strand). VCF-style: chr12-121439887-G-C. GRCh37 (hg19) VCF-style: chr12-121877690-G-C.
Other names: c.3592C>G, p.Arg1198Gly (NM_001005366.2); c.3895C>G, p.Arg1299Gly (NM_001439014.1, NM_001439015.1); c.3877C>G, p.Arg1293Gly (NM_001439016.1); c.3799C>G, p.Arg1267Gly (NM_001439017.1, NM_001439018.1); c.3784C>G, p.Arg1262Gly (NM_001439020.1); c.3766C>G, p.Arg1256Gly (NM_001439021.1); c.3736C>G, p.Arg1246Gly (NM_001439022.1, NM_001439023.1); c.3706C>G, p.Arg1236Gly (NM_001439025.1, NM_001439026.1); and 3 more; short protein forms R1198G, R1246G, R1236G, R1267G, R1293G, R707G, R1208G, R1256G.
Identifiers: ClinVar variation 5003130 (VCV005003130.1).
Genomic context (GRCh38, chr12:121,439,887, plus strand): 5'-AGGCAGACCCGATGGGGGCCCCTGACTCACCAGACAGGTTGATCTCGGTTAAGGAGTCTC[G>C]GGTGGTGGTGCCAACAGCAGTGAGCAGGTTGATAGACTGGTCGGTGACGTGGTTACAGTA-3'
Protein context (NP_115979.3, residues 1257-1277): NLLTAVGTTT[Arg1267Gly]DSLTEINLSD

ClinVar aggregate classification (germline): Uncertain significance (1 of 4 stars; one submission).

Submission:

OLLIN Analises Genomicas, OLLIN
Classification: Uncertain significance. Last evaluated: 2026-08-06. Review status: criteria provided, single submitter. Criteria: ACMG Guidelines 2015 PMID 25741868. Collection method: clinical testing. Allele origin: germline.
Comment: This missense variant, located in exon 22 (of 23), is absent from gnomAD and ClinVar and has not been identified in the literature. In silico analysis is inconclusive regarding the impact of this variant. According to the currently available evidence, this variant has been classified as uncertain significance (PM2_P).